The following is an entry in ClinVar:

NM_182972.3(IRF2BP2):c.959C>T (p.Pro320Leu)

Genes: IRF2BP2 (interferon regulatory factor 2 binding protein 2; minus strand), LOC129932810 (ATAC-STARR-seq lymphoblastoid active region 2760; plus strand). Cytogenetic location: 1q42.3.
Variant type: single nucleotide variant.
Coding change: c.959C>T on transcript NM_182972.3 (MANE Select); coding-DNA position 959, C replaced by T.
Protein change: p.Pro320Leu; replaces proline 320 with leucine.
Molecular consequence: missense variant.
Genome position (GRCh38, 1-based): chr1:234,608,536, G>A on the plus strand (C>T on the coding strand, the complement: IRF2BP2 is on the minus strand). VCF-style: chr1-234608536-G-A. GRCh37 (hg19) VCF-style: chr1-234744282-G-A.
Other names: c.959C>T, p.Pro320Leu (NM_001077397.1); short protein forms P320L.
Identifiers: ClinVar variation 636947 (VCV000636947.9), dbSNP rs774163577, ClinGen allele CA1461713.

ClinVar aggregate classification (germline): Uncertain significance. Review status: criteria provided, multiple submitters, no conflicts (2 of 4 stars). 2 submissions from 2 submitters: Uncertain significance (2). Last evaluated 2025-03-18.

Allele frequency attached by ClinVar (database versions not stated): gnomAD exomes 0.00001 and 0.00002; ExAC 0.00002; TOPMed 0.00006; gnomAD 0.00009 and 0.00010.
gnomAD v4.1: 35 of 1,610,064 alleles (0.0022%); highest among the groups gnomAD compares: African/African-American, 0.032%; no homozygotes.

Submissions (2):

Labcorp Genetics (formerly Invitae), Labcorp
Classification: Uncertain significance. Last evaluated: 2025-03-18. Review status: criteria provided, single submitter. Criteria: Invitae Variant Classification Sherloc (09022015). Collection method: clinical testing. Allele origin: germline.
Comment: This sequence change replaces proline, which is neutral and non-polar, with leucine, which is neutral and non-polar, at codon 320 of the IRF2BP2 protein (p.Pro320Leu). This variant is present in population databases (rs774163577, gnomAD 0.04%). This variant has not been reported in the literature in individuals affected with IRF2BP2-related conditions. ClinVar contains an entry for this variant (Variation ID: 636947). An algorithm developed to predict the effect of missense changes on protein structure and function (PolyPhen-2) suggests that this variant is likely to be disruptive. In summary, the available evidence is currently insufficient to determine the role of this variant in disease. Therefore, it has been classified as a Variant of Uncertain Significance.

Blueprint Genetics
Classification: Uncertain significance. Last evaluated: 2019-02-09. Review status: criteria provided, single submitter. Criteria: ACMG Guidelines, 2015. Collection method: clinical testing. Allele origin: germline.